The following is an entry in ClinVar:

ClinVar aggregate classification (germline): Uncertain significance (1 of 4 stars; one submission).

Submission:

Labcorp Genetics (formerly Invitae), Labcorp
Classification: Uncertain significance. Last evaluated: 2022-07-19. Review status: criteria provided, single submitter. Criteria: Invitae Variant Classification Sherloc (09022015). Collection method: clinical testing. Allele origin: germline.
Comment: In summary, the available evidence is currently insufficient to determine the role of this variant in disease. Therefore, it has been classified as a Variant of Uncertain Significance. Advanced modeling of protein sequence and biophysical properties (such as structural, functional, and spatial information, amino acid conservation, physicochemical variation, residue mobility, and thermodynamic stability) performed at Invitae indicates that this missense variant is not expected to disrupt EARS2 protein function. This variant has not been reported in the literature in individuals affected with EARS2-related conditions. This variant is not present in population databases (gnomAD no frequency). This sequence change replaces valine, which is neutral and non-polar, with leucine, which is neutral and non-polar, at codon 399 of the EARS2 protein (p.Val399Leu).

NM_001083614.2(EARS2):c.1195G>T (p.Val399Leu)

Gene: EARS2 (glutamyl-tRNA synthetase 2, mitochondrial; minus strand). Cytogenetic location: 16p12.2.
Variant type: single nucleotide variant.
Coding change: c.1195G>T on transcript NM_001083614.2 (MANE Select); coding-DNA position 1195, G replaced by T.
Protein change: p.Val399Leu; replaces valine 399 with leucine.
Molecular consequence: missense variant. On other transcripts: non-coding transcript variant (1).
Genome position (GRCh38, 1-based): chr16:23,529,770, C>A on the plus strand (G>T on the coding strand, the complement: EARS2 is on the minus strand). VCF-style: chr16-23529770-C-A. GRCh37 (hg19) VCF-style: chr16-23541091-C-A.
Other names: c.1195G>T, p.Val399Leu (NM_001308211.1, NM_133451.1); short protein forms V399L.
Identifiers: ClinVar variation 2080067 (VCV002080067.4), dbSNP rs1204642111, ClinGen allele CA395129816.